The following is an entry in ClinVar:

ClinVar aggregate classification (germline): Uncertain significance (1 of 4 stars; one submission).

Conditions:
Hereditary cancer-predisposing syndrome. Also called: Tumor predisposition; Hereditary Cancer Syndrome; Hereditary neoplastic syndrome; Neoplastic Syndromes, Hereditary. Identifiers: Orphanet 140162, MedGen C0027672, MeSH D009386, MONDO:0015356.

Submission:

Ambry Genetics
Classification: Uncertain significance for Hereditary cancer-predisposing syndrome. Last evaluated: 2025-11-03. Review status: criteria provided, single submitter. Criteria: Ambry Variant Classification Scheme 2023. Collection method: clinical testing. Allele origin: germline.
Comment: The p.L216Q variant (also known as c.647T>A), located in coding exon 3 of the XRCC2 gene, results from a T to A substitution at nucleotide position 647. The leucine at codon 216 is replaced by glutamine, an amino acid with dissimilar properties. This amino acid position is conserved. In addition, this alteration is predicted to be tolerated by in silico analysis. Based on the available evidence, the clinical significance of this variant remains unclear.

NM_005431.2(XRCC2):c.647T>A (p.Leu216Gln)

Gene: XRCC2 (X-ray repair cross complementing 2; minus strand). Cytogenetic location: 7q36.1.
Variant type: single nucleotide variant.
Coding change: c.647T>A on transcript NM_005431.2 (MANE Select); coding-DNA position 647, T replaced by A.
Protein change: p.Leu216Gln; replaces leucine 216 with glutamine.
Molecular consequence: missense variant.
Genome position (GRCh38, 1-based): chr7:152,648,838, A>T on the plus strand (T>A on the coding strand, the complement: XRCC2 is on the minus strand). VCF-style: chr7-152648838-A-T. GRCh37 (hg19) VCF-style: chr7-152345923-A-T.
Other names: short protein forms L216Q.
Identifiers: ClinVar variation 4558362 (VCV004558362.1).